The following is an entry in ClinVar:

NM_014363.6(SACS):c.9508_9518del (p.Arg3170fs)

Gene: SACS (sacsin molecular chaperone; minus strand). Cytogenetic location: 13q12.12.
Variant type: Deletion.
Coding change: c.9508_9518del on transcript NM_014363.6 (MANE Select); coding-DNA positions 9508 to 9518, 11 bases deleted (CGACCCAAGTT).
Protein change: p.Arg3170fs; shifts the reading frame from arginine 3170.
Molecular consequence: frameshift variant.
Genome position (GRCh38, 1-based): chr13:23,334,358-23,334,368, AACTTGGGTCG deleted on the plus strand (CGACCCAAGTT on the coding strand, the reverse complement: SACS is on the minus strand). VCF-style (leftmost placement, unchanged base first): chr13-23334357-AAACTTGGGTCG-A. GRCh37 (hg19) VCF-style: chr13-23908496-AAACTTGGGTCG-A.
Other names: c.9067_9077del, p.Arg3023fs (NM_001278055.2); short protein forms R3170fs, R3023fs.
Identifiers: ClinVar variation 2058357 (VCV002058357.4), dbSNP rs2542198426, ClinGen allele CA2580086893.

ClinVar aggregate classification (germline): Pathogenic (1 of 4 stars; one submission).

Conditions:
Spastic paraplegia. Identifiers: MedGen C0037772, HP:0001258.

Submission:

Labcorp Genetics (formerly Invitae), Labcorp
Classification: Pathogenic for Spastic paraplegia. Last evaluated: 2021-12-24. Review status: criteria provided, single submitter. Criteria: Invitae Variant Classification Sherloc (09022015). Collection method: clinical testing. Allele origin: germline.
Comment: For these reasons, this variant has been classified as Pathogenic. This sequence change creates a premature translational stop signal (p.Arg3170Serfs*6) in the SACS gene. While this is not anticipated to result in nonsense mediated decay, it is expected to disrupt the last 1410 amino acid(s) of the SACS protein. This variant is not present in population databases (gnomAD no frequency). This variant has not been reported in the literature in individuals affected with SACS-related conditions. This variant disrupts a region of the SACS protein in which other variant(s) (p.Asn4549Asp) have been determined to be pathogenic (PMID: 15156359, 21507954). This suggests that this is a clinically significant region of the protein, and that variants that disrupt it are likely to be disease-causing.

Literature cited by the submitters: PubMed 15156359; PubMed 21507954.